The following is an entry in ClinVar:

ClinVar aggregate classification (germline): Uncertain significance. Review status: criteria provided, multiple submitters, no conflicts (2 of 4 stars). 8 submissions from 8 submitters: Uncertain significance (8). Last evaluated 2025-12-21.

Conditions:
Facial dysmorphism-immunodeficiency-livedo-short stature syndrome. Also called: FILS syndrome; Facial dysmorphism, immunodeficiency, livedo, and short stature. Identifiers: Orphanet 352712, MedGen C3554576, MONDO:0014058, OMIM 615139.
Colorectal cancer, susceptibility to, 12 (CRCS12). Also called: COLORECTAL CANCER, SUSCEPTIBILITY TO, ON CHROMOSOME 12q24. Identifiers: Orphanet 220460, MedGen C3554460, MONDO:0014038, OMIM 615083.
Intrauterine growth retardation, metaphyseal dysplasia, adrenal hypoplasia congenita, genital anomalies, and immunodeficiency. Also called: IMAGEI SYNDROME. Identifiers: MedGen C5193036, MONDO:0032684, OMIM 618336.
Hereditary cancer-predisposing syndrome. Also called: Hereditary neoplastic syndrome; Neoplastic Syndromes, Hereditary; Tumor predisposition; Hereditary Cancer Syndrome. Identifiers: Orphanet 140162, MedGen C0027672, MeSH D009386, MONDO:0015356.

Allele frequency attached by ClinVar (database versions not stated): gnomAD exomes 0.00001; TOPMed 0.00002; gnomAD 0.00003.
gnomAD v4.1: 24 of 1,613,874 alleles (0.0015%); highest among the groups gnomAD compares: Non-Finnish European, 0.00025%; no homozygotes.

Submissions (8):

Labcorp Genetics (formerly Invitae), Labcorp
Classification: Uncertain significance. Last evaluated: 2025-12-21. Review status: criteria provided, single submitter. Criteria: Invitae Variant Classification Sherloc (09022015). Collection method: clinical testing. Allele origin: germline.
Comment: This sequence change replaces proline, which is neutral and non-polar, with threonine, which is neutral and polar, at codon 370 of the POLE protein (p.Pro370Thr). This variant is present in population databases (rs576578672, gnomAD 0.04%). This variant has not been reported in the literature in individuals affected with POLE-related conditions. ClinVar contains an entry for this variant (Variation ID: 423238). An algorithm developed to predict the effect of missense changes on protein structure and function (PolyPhen-2) suggests that this variant is likely to be disruptive. In summary, the available evidence is currently insufficient to determine the role of this variant in disease. Therefore, it has been classified as a Variant of Uncertain Significance.

Ambry Genetics
Classification: Uncertain significance for Hereditary cancer-predisposing syndrome. Last evaluated: 2025-07-30. Review status: criteria provided, single submitter. Criteria: Ambry Variant Classification Scheme 2023. Collection method: clinical testing. Allele origin: germline.
Comment: The p.P370T variant (also known as c.1108C>A), located in coding exon 12 of the POLE gene, results from a C to A substitution at nucleotide position 1108. The proline at codon 370 is replaced by threonine, an amino acid with highly similar properties. This amino acid position is highly conserved in available vertebrate species. In addition, the in silico prediction for this alteration is inconclusive. Based on the available evidence, the clinical significance of this variant remains unclear.

Baylor Genetics
Classification: Uncertain significance for Colorectal cancer, susceptibility to, 12. Last evaluated: 2024-02-11. Review status: criteria provided, single submitter. Criteria: ACMG Guidelines, 2015. Collection method: clinical testing. Allele origin: unknown.

St. Jude Molecular Pathology, St. Jude Children's Research Hospital
Classification: Uncertain significance for Colorectal cancer, susceptibility to, 12. Last evaluated: 2023-02-13. Review status: criteria provided, single submitter. Criteria: St. Jude Assertion Criteria 2020. Collection method: clinical testing. Allele origin: germline.
Comment: The POLE c.1108C>A (p.Pro370Thr) missense change has a maximum founder subpopulation frequency of 0.048% is absent in gnomAD v2.1.1 and is absent in all non-founder subpopulations. This variant is in the exonuclease domain but does not affect a known hotspot codon. The in silico tool REVEL is inconclusive about a pathogenic or benign effect of this variant on protein function, and to our knowledge functional studies have not been performed. To our knowledge, this variant has not been reported in individuals with POLE-related disease. In summary, the evidence currently available is insufficient to determine the clinical significance of this variant. It has therefore been classified as of uncertain significance.?

GeneDx
Classification: Uncertain significance. Last evaluated: 2023-01-11. Review status: criteria provided, single submitter. Criteria: GeneDx Variant Classification Process June 2021. Collection method: clinical testing. Allele origin: germline. Affected: yes.
Comment: Not observed at significant frequency in large population cohorts (gnomAD); In silico analysis supports that this missense variant has a deleterious effect on protein structure/function; Has not been previously published as pathogenic or benign to our knowledge; This variant is associated with the following publications: (PMID: 26878173, Shah2022[Preprint], 20951805)

Sema4
Classification: Uncertain significance for Hereditary cancer-predisposing syndrome. Last evaluated: 2021-05-20. Review status: criteria provided, single submitter. Criteria: Sema4 Curation Guidelines. Collection method: curation. Allele origin: germline.
Comment: The POLE c.1108C>A (p.P370T) variant has not been reported in the literature to our knowledge. This variant was observed in 5/10342 chromosomes in the Ashkenazi Jewish subpopulation according to the Genome Aggregation Database (PMID: 32461654). The subpopulation frequency of this variant is higher than expected for a pathogenic variant based on disease/syndrome prevalence and penetrance. This variant has been reported in ClinVar (Variation ID: 423238). In silico tools suggest the impact of the variant on protein function is deleterious, though these predictions have not been confirmed by functional studies. The overall evidence is insufficient to meet ACMG/AMP criteria for classifying it as benign or pathogenic. In summary, the clinical significance of this variant is currently uncertain.

Department of Pathology and Laboratory Medicine, Sinai Health System
Classification: Uncertain significance for Colorectal cancer, susceptibility to, 12; Facial dysmorphism-immunodeficiency-livedo-short stature syndrome; Intrauterine growth retardation, metaphyseal dysplasia, adrenal hypoplasia congenita, genital anomalies, and immunodeficiency. Last evaluated: 2020-05-19. Review status: criteria provided, single submitter. Criteria: ACMG Guidelines, 2015. Collection method: research. Allele origin: germline.

Fulgent Genetics
Classification: Uncertain significance for Colorectal cancer, susceptibility to, 12; Facial dysmorphism-immunodeficiency-livedo-short stature syndrome. Last evaluated: 2018-10-31. Review status: criteria provided, single submitter. Criteria: ACMG Guidelines, 2015. Collection method: clinical testing. Allele origin: unknown.

NM_006231.4(POLE):c.1108C>A (p.Pro370Thr)

Gene: POLE (DNA polymerase epsilon, catalytic subunit; minus strand). Cytogenetic location: 12q24.33.
Variant type: single nucleotide variant.
Coding change: c.1108C>A on transcript NM_006231.4 (MANE Select); coding-DNA position 1108, C replaced by A.
Protein change: p.Pro370Thr; replaces proline 370 with threonine.
Molecular consequence: missense variant.
Genome position (GRCh38, 1-based): chr12:132,675,516, G>T on the plus strand (C>A on the coding strand, the complement: POLE is on the minus strand). VCF-style: chr12-132675516-G-T. GRCh37 (hg19) VCF-style: chr12-133252102-G-T.
Other names: short protein forms P370T.
Identifiers: ClinVar variation 423238 (VCV000423238.23), dbSNP rs576578672, ClinGen allele CA6894067.